The following is an entry in ClinVar:

ClinVar aggregate classification (germline): Pathogenic (1 of 4 stars; one submission).

Submission:

ISCA site 4
Classification: Pathogenic. Last evaluated: 2011-08-12. Review status: criteria provided, single submitter. Criteria: Kaminsky et al. (Genet Med. 2011). Collection method: clinical testing. Allele origin: unknown. Affected: yes. Observed: 1 variant allele.
Comment: Copy number variation identified through the course of routine clinical cytogenomic testing in postnatal populations. Clinical assertions have been curated as described in Kaminsky et al. 2011.

GRCh38/hg38 19p13.3(chr19:259395-2555149)x3

Genes: ABCA7 (ATP binding cassette subfamily A member 7; plus strand), ABHD17A (abhydrolase domain containing 17A, depalmitoylase; minus strand), ADAMTSL5 (ADAMTS like 5; minus strand), ADAT3 (adenosine deaminase tRNA specific 3; plus strand), AMH (anti-Mullerian hormone; plus strand) and 428 more. Cytogenetic location: 19p13.3.
Variant type: copy number gain.
Change: copy number 3 (three copies instead of two) of chr19:259,395-2,555,149 (2.30 Mb, GRCh38 coordinates, 1-based), cytogenetic band 19p13.3.
Identifiers: ClinVar variation 57357 (VCV000057357.1).